The following is an entry in ClinVar:

ClinVar aggregate classification (germline): Uncertain significance (1 of 4 stars; one submission).

Conditions:
C3 glomerulonephritis. Also called: C3 GLOMERULOPATHY 3; Nephropathy due to CFHR5 Deficiency. Identifiers: Orphanet 329931, MedGen C4055342, MONDO:0013892, OMIM 614809.

Submission:

Genomenon, Inc
Classification: Uncertain significance for C3 glomerulonephritis. Last evaluated: 2025-09-30. Review status: criteria provided, single submitter. Criteria: Genomenon Sequence Variant Interpretation Standards. Collection method: curation. Allele origin: germline. Affected: yes.
Comment: C3 p.Arg315GlufsTer35 (c.943del) is a frameshift variant that results in the production of a truncated protein. This variant has been observed in at least one proband affected with C3 glomerulonephritis (PMID:38765603). It is absent or not present at a significant frequency in gnomAD. In conclusion, we classify C3 p.Arg315GlufsTer35 (c.943del) as a variant of uncertain significance.

Literature cited by the submitters: PubMed 38765603.

NM_000064.4(C3):c.943del (p.Arg315fs)

Gene: C3 (complement C3; minus strand). Cytogenetic location: 19p13.3.
Variant type: Deletion.
Coding change: c.943del on transcript NM_000064.4 (MANE Select); coding-DNA position 943, one base deleted (C; older notation c.943delC).
Protein change: p.Arg315fs; shifts the reading frame from arginine 315.
Molecular consequence: frameshift variant.
Genome position (GRCh38, 1-based): chr19:6,713,249, G deleted on the plus strand (C on the coding strand, the reverse complement: C3 is on the minus strand); the first of 5 consecutive G bases (chr19:6,713,249-6,713,253); deleting any one gives the same sequence. VCF-style (leftmost placement, unchanged base first): chr19-6713248-CG-C. GRCh37 (hg19) VCF-style: chr19-6713259-CG-C.
Other names: short protein forms R315fs.
Identifiers: ClinVar variation 4280152 (VCV004280152.1).